The following is an entry in ClinVar:

NM_000321.3(RB1):c.926A>G (p.Asn309Ser)

Gene: RB1 (RB transcriptional corepressor 1; plus strand). Cytogenetic location: 13q14.2.
Variant type: single nucleotide variant.
Coding change: c.926A>G on transcript NM_000321.3 (MANE Select); coding-DNA position 926, A replaced by G.
Protein change: p.Asn309Ser; replaces asparagine 309 with serine.
Molecular consequence: missense variant.
Genome position (GRCh38, 1-based): chr13:48,364,958, A>G. VCF-style: chr13-48364958-A-G. GRCh37 (hg19) VCF-style: chr13-48939094-A-G.
Other names: short protein forms N309S.
Identifiers: ClinVar variation 965338 (VCV000965338.12), dbSNP rs1952680701, ClinGen allele CA388160059.

ClinVar aggregate classification (germline): Uncertain significance. Review status: criteria provided, multiple submitters, no conflicts (2 of 4 stars). 3 submissions from 3 submitters: Uncertain significance (3). Last evaluated 2025-10-14.

Conditions:
Hereditary cancer-predisposing syndrome. Also called: Hereditary neoplastic syndrome; Neoplastic Syndromes, Hereditary; Hereditary Cancer Syndrome; Tumor predisposition. Identifiers: Orphanet 140162, MedGen C0027672, MeSH D009386, MONDO:0015356.
Retinoblastoma (RB1). Also called: RETINOBLASTOMA, SOMATIC. Identifiers: Orphanet 790, MedGen C0035335, MeSH D012175, MONDO:0008380, OMIM 180200, HP:0009919. Disease mechanism: loss of function. Inheritance: Both sporadic and heritable forms are tested..

Allele frequency attached by ClinVar (database versions not stated): gnomAD exomes below 0.00001.
gnomAD v4.1: 1 of 1,571,682 alleles (0.000064%); highest among the groups gnomAD compares: Non-Finnish European, 0.000087%; no homozygotes.

Submissions (3):

Labcorp Genetics (formerly Invitae), Labcorp
Classification: Uncertain significance for Retinoblastoma. Last evaluated: 2025-10-14. Review status: criteria provided, single submitter. Criteria: Invitae Variant Classification Sherloc (09022015). Collection method: clinical testing. Allele origin: germline.
Comment: This sequence change replaces asparagine, which is neutral and polar, with serine, which is neutral and polar, at codon 309 of the RB1 protein (p.Asn309Ser). This variant is not present in population databases (gnomAD no frequency). This variant has not been reported in the literature in individuals affected with RB1-related conditions. ClinVar contains an entry for this variant (Variation ID: 965338). Invitae Evidence Modeling of protein sequence and biophysical properties (such as structural, functional, and spatial information, amino acid conservation, physicochemical variation, residue mobility, and thermodynamic stability) indicates that this missense variant is not expected to disrupt RB1 protein function with a negative predictive value of 80%. In summary, the available evidence is currently insufficient to determine the role of this variant in disease. Therefore, it has been classified as a Variant of Uncertain Significance.

Ambry Genetics
Classification: Uncertain significance for Hereditary cancer-predisposing syndrome. Last evaluated: 2025-01-11. Review status: criteria provided, single submitter. Criteria: Ambry Variant Classification Scheme 2023. Collection method: clinical testing. Allele origin: germline.
Comment: The p.N309S variant (also known as c.926A>G), located in coding exon 9 of the RB1 gene, results from an A to G substitution at nucleotide position 926. The asparagine at codon 309 is replaced by serine, an amino acid with highly similar properties. This amino acid position is conserved. In addition, this alteration is predicted to be tolerated by in silico analysis. Since supporting evidence is limited at this time, the clinical significance of this alteration remains unclear.

All of Us Research Program, National Institutes of Health
Classification: Uncertain significance for Retinoblastoma. Last evaluated: 2024-04-16. Review status: criteria provided, single submitter. Criteria: ACMG Guidelines, 2015. Collection method: clinical testing. Allele origin: germline. Inheritance: Autosomal dominant inheritance. Observed: 3 variant alleles, 3 heterozygotes.
Comment: This missense variant replaces asparagine with serine at codon 309 of the RB1 protein. Computational prediction suggests that this variant may not impact protein structure and function (internally defined REVEL score threshold <= 0.5, PMID: 27666373). To our knowledge, functional studies have not been reported for this variant. This variant has not been reported in individuals affected with RB1-related disorders in the literature. This variant has not been identified in the general population by the Genome Aggregation Database (gnomAD). The available evidence is insufficient to determine the role of this variant in disease conclusively. Therefore, this variant is classified as a Variant of Uncertain Significance.

This study involves interpretation of variants in research participants for the purpose of population health screening. Participant phenotype was not available at the time of variant classification. Additional details can be found in publication PMID: 35346344, PMCID: PMC8962531